The following is an entry in ClinVar:

ClinVar aggregate classification (germline): Uncertain significance (1 of 4 stars; one submission).

gnomAD v4.1: 9 of 1,614,208 alleles (0.00056%); highest among the groups gnomAD compares: Middle Eastern, 0.016%; 1 homozygote.

Submission:

GeneDx
Classification: Uncertain significance. Last evaluated: 2024-05-12. Review status: criteria provided, single submitter. Criteria: GeneDx Variant Classification Process June 2021. Collection method: clinical testing. Allele origin: germline. Affected: yes.
Comment: Not observed at significant frequency in large population cohorts (gnomAD); In silico analysis indicates that this missense variant does not alter protein structure/function; Has not been previously published as pathogenic or benign to our knowledge

NM_182961.4(SYNE1):c.20309A>G (p.Asn6770Ser)

Gene: SYNE1 (spectrin repeat containing nuclear envelope protein 1; minus strand). Cytogenetic location: 6q25.2.
Variant type: single nucleotide variant.
Coding change: c.20309A>G on transcript NM_182961.4 (MANE Select); coding-DNA position 20309, A replaced by G.
Protein change: p.Asn6770Ser; replaces asparagine 6770 with serine.
Molecular consequence: missense variant.
Genome position (GRCh38, 1-based): chr6:152,236,194, T>C on the plus strand (A>G on the coding strand, the complement: SYNE1 is on the minus strand). VCF-style: chr6-152236194-T-C. GRCh37 (hg19) VCF-style: chr6-152557329-T-C.
Other names: c.20096A>G, p.Asn6699Ser (NM_033071.5); short protein forms N6699S, N6770S.
Identifiers: ClinVar variation 3378239 (VCV003378239.1).